The following is an entry in ClinVar:

NM_001447.3(FAT2):c.11284C>T (p.Arg3762Trp)

Genes: FAT2 (FAT atypical cadherin 2; minus strand), SLC36A1 (solute carrier family 36 member 1; plus strand). Cytogenetic location: 5q33.1.
Variant type: single nucleotide variant.
Coding change: c.11284C>T on transcript NM_001447.3 (MANE Select); coding-DNA position 11284, C replaced by T.
Protein change: p.Arg3762Trp; replaces arginine 3762 with tryptophan.
Molecular consequence: missense variant.
Genome position (GRCh38, 1-based): chr5:151,521,309, G>A on the plus strand (C>T on the coding strand, the complement: FAT2 is on the minus strand). VCF-style: chr5-151521309-G-A. GRCh37 (hg19) VCF-style: chr5-150900870-G-A.
Other names: short protein forms R3762W.
Identifiers: ClinVar variation 2061161 (VCV002061161.4), dbSNP rs751829289, ClinGen allele CA3520057.

ClinVar aggregate classification (germline): Uncertain significance (1 of 4 stars; one submission).

Allele frequency attached by ClinVar (database versions not stated): ExAC 0.00004; gnomAD 0.00007; TOPMed 0.00012.
gnomAD v4.1: 37 of 1,611,800 alleles (0.0023%); highest among the groups gnomAD compares: African/African-American, 0.016%; no homozygotes.

Submission:

Labcorp Genetics (formerly Invitae), Labcorp
Classification: Uncertain significance. Last evaluated: 2022-06-30. Review status: criteria provided, single submitter. Criteria: Invitae Variant Classification Sherloc (09022015). Collection method: clinical testing. Allele origin: germline.
Comment: In summary, the available evidence is currently insufficient to determine the role of this variant in disease. Therefore, it has been classified as a Variant of Uncertain Significance. Algorithms developed to predict the effect of missense changes on protein structure and function (SIFT, PolyPhen-2, Align-GVGD) all suggest that this variant is likely to be disruptive. This variant has not been reported in the literature in individuals affected with FAT2-related conditions. This variant is present in population databases (rs751829289, gnomAD 0.03%). This sequence change replaces arginine, which is basic and polar, with tryptophan, which is neutral and slightly polar, at codon 3762 of the FAT2 protein (p.Arg3762Trp).